The following is an entry in ClinVar:

NM_001370259.2(MEN1):c.220G>T (p.Gly74Cys)

Gene: MEN1 (menin 1; minus strand). Cytogenetic location: 11q13.1.
Variant type: single nucleotide variant.
Coding change: c.220G>T on transcript NM_001370259.2 (MANE Select); coding-DNA position 220, G replaced by T.
Protein change: p.Gly74Cys; replaces glycine 74 with cysteine.
Molecular consequence: missense variant.
Genome position (GRCh38, 1-based): chr11:64,809,890, C>A on the plus strand (G>T on the coding strand, the complement: MEN1 is on the minus strand). VCF-style: chr11-64809890-C-A. GRCh37 (hg19) VCF-style: chr11-64577362-C-A.
Other names: c.220G>T, p.Gly74Cys (NM_000244.4, NM_001370251.2, NM_001370260.2 and 9 more transcripts); c.220G>T (NM_130799.2); short protein forms G74C.
Identifiers: ClinVar variation 1461855 (VCV001461855.10), dbSNP rs2136188922, ClinGen allele CA381187620.

ClinVar aggregate classification (germline): Uncertain significance. Review status: criteria provided, multiple submitters, no conflicts (2 of 4 stars). 3 submissions from 3 submitters: Uncertain significance (3). Last evaluated 2025-03-04.

Conditions:
Hereditary cancer-predisposing syndrome. Also called: Neoplastic Syndromes, Hereditary; Hereditary Cancer Syndrome; Tumor predisposition; Hereditary neoplastic syndrome. Identifiers: Orphanet 140162, MedGen C0027672, MeSH D009386, MONDO:0015356.
Multiple endocrine neoplasia, type 1 (MEN1). Also called: MEN I; WERMER SYNDROME; Endocrine adenomatosis multiple; MEN 1; MEA I. Identifiers: Orphanet 652, MedGen C0025267, MeSH D018761, MONDO:0007540, OMIM 131100.

Submissions (3):

Quest Diagnostics Nichols Institute San Juan Capistrano
Classification: Uncertain significance. Last evaluated: 2025-03-04. Review status: criteria provided, single submitter. Criteria: Quest Diagnostics criteria. Collection method: clinical testing. Allele origin: unknown.

Labcorp Genetics (formerly Invitae), Labcorp
Classification: Uncertain significance for Multiple endocrine neoplasia, type 1. Last evaluated: 2023-05-18. Review status: criteria provided, single submitter. Criteria: Invitae Variant Classification Sherloc (09022015). Collection method: clinical testing. Allele origin: germline.
Comment: This variant has not been reported in the literature in individuals affected with MEN1-related conditions. In summary, the available evidence is currently insufficient to determine the role of this variant in disease. Therefore, it has been classified as a Variant of Uncertain Significance. Advanced modeling of protein sequence and biophysical properties (such as structural, functional, and spatial information, amino acid conservation, physicochemical variation, residue mobility, and thermodynamic stability) performed at Invitae indicates that this missense variant is expected to disrupt MEN1 protein function. ClinVar contains an entry for this variant (Variation ID: 1461855). This variant is not present in population databases (gnomAD no frequency). This sequence change replaces glycine, which is neutral and non-polar, with cysteine, which is neutral and slightly polar, at codon 74 of the MEN1 protein (p.Gly74Cys).

Ambry Genetics
Classification: Uncertain significance for Hereditary cancer-predisposing syndrome. Last evaluated: 2022-11-17. Review status: criteria provided, single submitter. Criteria: Ambry Variant Classification Scheme 2023. Collection method: clinical testing. Allele origin: germline.
Comment: The p.G74C variant (also known as c.220G>T), located in coding exon 1 of the MEN1 gene, results from a G to T substitution at nucleotide position 220. The glycine at codon 74 is replaced by cysteine, an amino acid with highly dissimilar properties. This amino acid position is conserved. In addition, the in silico prediction for this alteration is inconclusive. Since supporting evidence is limited at this time, the clinical significance of this alteration remains unclear.